The following is an entry in ClinVar:

ClinVar aggregate classification (germline): Uncertain significance (1 of 4 stars; one submission).

Conditions:
Hereditary cancer-predisposing syndrome. Also called: Tumor predisposition; Hereditary Cancer Syndrome; Neoplastic Syndromes, Hereditary; Hereditary neoplastic syndrome. Identifiers: Orphanet 140162, MedGen C0027672, MeSH D009386, MONDO:0015356.

Submission:

Ambry Genetics
Classification: Uncertain significance for Hereditary cancer-predisposing syndrome. Last evaluated: 2019-10-31. Review status: criteria provided, single submitter. Criteria: Ambry Variant Classification Scheme 2023. Collection method: clinical testing. Allele origin: germline.
Comment: The p.S93A variant (also known as c.277T>G), located in coding exon 3 of the NBN gene, results from a T to G substitution at nucleotide position 277. The serine at codon 93 is replaced by alanine, an amino acid with similar properties. This amino acid position is poorly conserved in available vertebrate species. In addition, this alteration is predicted to be tolerated by in silico analysis. Since supporting evidence is limited at this time, the clinical significance of this alteration remains unclear.

NM_002485.5(NBN):c.277T>G (p.Ser93Ala)

Gene: NBN (nibrin; minus strand). Cytogenetic location: 8q21.3.
Variant type: single nucleotide variant.
Coding change: c.277T>G on transcript NM_002485.5 (MANE Select); coding-DNA position 277, T replaced by G.
Protein change: p.Ser93Ala; replaces serine 93 with alanine.
Molecular consequence: missense variant.
Genome position (GRCh38, 1-based): chr8:89,981,418, A>C on the plus strand (T>G on the coding strand, the complement: NBN is on the minus strand). VCF-style: chr8-89981418-A-C. GRCh37 (hg19) VCF-style: chr8-90993646-A-C.
Other names: c.31T>G, p.Ser11Ala (NM_001024688.3); short protein forms S11A, S93A.
Identifiers: ClinVar variation 821800 (VCV000821800.4), dbSNP rs1586108601, ClinGen allele CA371662421.